The following is an entry in ClinVar:

NM_001290403.2(TAL1):c.184G>C (p.Gly62Arg)

Gene: TAL1 (TAL bHLH transcription factor 1, erythroid differentiation factor; minus strand). Cytogenetic location: 1p33.
Variant type: single nucleotide variant.
Coding change: c.184G>C on transcript NM_001290403.2 (MANE Select); coding-DNA position 184, G replaced by C.
Protein change: p.Gly62Arg; replaces glycine 62 with arginine.
Molecular consequence: missense variant. On other transcripts: intron variant (1).
Genome position (GRCh38, 1-based): chr1:47,225,705, C>G on the plus strand (G>C on the coding strand, the complement: TAL1 is on the minus strand). VCF-style: chr1-47225705-C-G. GRCh37 (hg19) VCF-style: chr1-47691377-C-G.
Other names: c.184G>C, p.Gly62Arg (NM_001287347.2, NM_001290404.1, NM_001290405.1 and 1 more transcripts); c.-31-1607G>C (NM_001290406.2); short protein forms G62R.
Identifiers: ClinVar variation 3038998 (VCV003038998.2), dbSNP rs743269, ClinGen allele CA841837.

ClinVar aggregate classification (germline): Likely benign (0 of 4 stars; one submission).

Conditions:
TAL1-related disorder. Also called: TAL1-related condition.

Allele frequency attached by ClinVar (database versions not stated): gnomAD 0.00038; TOPMed 0.00043; 1000 Genomes Project 0.00080; ExAC 0.00192.
gnomAD v4.1: 579 of 1,449,006 alleles (0.04%); highest among the groups gnomAD compares: East Asian, 1%; 1 homozygote.

Submission:

PreventionGenetics, part of Exact Sciences
Classification: Likely benign for TAL1-related condition. Last evaluated: 2020-04-01. Review status: no assertion criteria provided. Collection method: clinical testing. Allele origin: germline.
Comment: This variant is classified as likely benign based on ACMG/AMP sequence variant interpretation guidelines (Richards et al. 2015 PMID: 25741868, with internal and published modifications).